The following is an entry in ClinVar:

NM_017947.4(MOCOS):c.475C>A (p.Arg159=)

Gene: MOCOS (molybdenum cofactor sulfurase; plus strand). Cytogenetic location: 18q12.2.
Variant type: single nucleotide variant.
Coding change: c.475C>A on transcript NM_017947.4 (MANE Select); coding-DNA position 475, C replaced by A.
Protein change: p.Arg159=; no amino-acid change (arginine 159 retained).
Molecular consequence: synonymous variant.
Genome position (GRCh38, 1-based): chr18:36,199,858, C>A. VCF-style: chr18-36199858-C-A. GRCh37 (hg19) VCF-style: chr18-33779821-C-A.
Other names: p.Arg159=.
Identifiers: ClinVar variation 1170695 (VCV001170695.14), dbSNP rs646424, ClinGen allele CA8940445.

ClinVar aggregate classification (germline): Benign/Likely benign. Review status: criteria provided, multiple submitters, no conflicts (2 of 4 stars). 5 submissions from 5 submitters: Benign (4); Likely benign (1). Last evaluated 2026-02-04.

Conditions:
Xanthinuria type II. Also called: Xanthine dehydrogenase and aldehyde oxidase combined deficiency of; XDH and AOX dual deficiency. Identifiers: Orphanet 3467, Orphanet 93602, MedGen C1863688, MONDO:0011346, OMIM 603592.

Allele frequency attached by ClinVar (database versions not stated): ESP Exome Variant Server 0.99277; TOPMed 0.99400; gnomAD 0.99420 and 0.99469; 1000 Genomes Project 30x 0.99453; 1000 Genomes Project 0.99541; ExAC 0.99824; gnomAD exomes 0.99850 and 0.99950.
gnomAD v4.1: 1,612,586 of 1,614,182 alleles (100%); highest among the groups gnomAD compares: East Asian, 100%; 805,508 homozygotes.

Submissions (5):

Labcorp Genetics (formerly Invitae), Labcorp
Classification: Benign for Xanthinuria type II. Last evaluated: 2026-02-04. Review status: criteria provided, single submitter. Criteria: Invitae Variant Classification Sherloc (09022015). Collection method: clinical testing. Allele origin: germline.

Mayo Clinic Laboratories, Mayo Clinic
Classification: Likely benign. Last evaluated: 2025-06-25. Review status: criteria provided, single submitter. Criteria: ACMG Guidelines, 2015. Collection method: clinical testing. Allele origin: germline. Observed: 176 variant alleles.
Comment: BP4, BP7

Blueprint Genetics
Classification: Benign. Last evaluated: 2024-11-28. Review status: criteria provided, single submitter. Criteria: ACMG Guidelines, 2015. Collection method: clinical testing. Allele origin: germline.

GeneDx
Classification: Benign. Last evaluated: 2019-08-20. Review status: criteria provided, single submitter. Criteria: GeneDx Variant Classification Process June 2021. Collection method: clinical testing. Allele origin: germline. Affected: yes.

Breakthrough Genomics
Classification: Benign. Review status: criteria provided, single submitter. Criteria: ACMG Guidelines, 2015. Collection method: not provided. Allele origin: germline. Inheritance: Autosomal recessive inheritance. Affected: yes.